The following is an entry in ClinVar:

NM_001363807.1(RAB41):c.*4C>T

Gene: RAB41 (RAB41, member RAS oncogene family; plus strand). Cytogenetic location: Xq13.1.
Variant type: single nucleotide variant.
Coding change: c.*4C>T on transcript NM_001363807.1 (MANE Select); 4 bases downstream of the stop codon, C replaced by T.
Molecular consequence: 3 prime UTR variant.
Genome position (GRCh38, 1-based): chrX:70,284,647, C>T. VCF-style: chrX-70284647-C-T. GRCh37 (hg19) VCF-style: chrX-69504497-C-T.
Other names: c.*4C>T (NM_001032726.3).
Identifiers: ClinVar variation 2660813 (VCV002660813.24), dbSNP rs370529206, ClinGen allele CA10440819.

ClinVar aggregate classification (germline): Likely benign (1 of 4 stars; one submission).

Allele frequency attached by ClinVar (database versions not stated): gnomAD exomes 0.00005; ESP Exome Variant Server 0.00009; TOPMed 0.00009; gnomAD 0.00010; ExAC 0.00011.
gnomAD v4.1: 65 of 1,194,433 alleles (0.0054%); highest among the groups gnomAD compares: Non-Finnish European, 0.0069%; no homozygotes.

Submission:

CeGaT Center for Human Genetics Tuebingen
Classification: Likely benign. Last evaluated: 2023-01-01. Review status: criteria provided, single submitter. Criteria: CeGaT Center For Human Genetics Tuebingen Variant Classification Criteria Version 2. Collection method: clinical testing. Allele origin: germline. Affected: yes. Observed: 1 variant allele.
Comment: RAB41: BS2